The following is an entry in ClinVar:

ClinVar aggregate classification (germline): Uncertain significance. Review status: criteria provided, multiple submitters, no conflicts (2 of 4 stars). 2 submissions from 2 submitters: Uncertain significance (2). Last evaluated 2024-12-10.

Allele frequency attached by ClinVar (database versions not stated): ExAC 0.00002; TOPMed 0.00002; gnomAD 0.00003; gnomAD exomes 0.00004.

Submissions (2):

Ambry Genetics
Classification: Uncertain significance. Last evaluated: 2024-12-10. Review status: criteria provided, single submitter. Criteria: Ambry Variant Classification Scheme 2023. Collection method: clinical testing. Allele origin: germline.

Labcorp Genetics (formerly Invitae), Labcorp
Classification: Uncertain significance. Last evaluated: 2022-04-24. Review status: criteria provided, single submitter. Criteria: Invitae Variant Classification Sherloc (09022015). Collection method: clinical testing. Allele origin: germline.
Comment: In summary, the available evidence is currently insufficient to determine the role of this variant in disease. Therefore, it has been classified as a Variant of Uncertain Significance. This sequence change replaces alanine, which is neutral and non-polar, with valine, which is neutral and non-polar, at codon 432 of the NIN protein (p.Ala432Val). This variant is present in population databases (rs750456184, gnomAD 0.004%). This variant has not been reported in the literature in individuals affected with NIN-related conditions. Algorithms developed to predict the effect of missense changes on protein structure and function (SIFT, PolyPhen-2, Align-GVGD) all suggest that this variant is likely to be tolerated.

NM_020921.4(NIN):c.1295C>T (p.Ala432Val)

Gene: NIN (ninein; minus strand). Cytogenetic location: 14q22.1.
Variant type: single nucleotide variant.
Coding change: c.1295C>T on transcript NM_020921.4 (MANE Select); coding-DNA position 1295, C replaced by T.
Protein change: p.Ala432Val; replaces alanine 432 with valine.
Molecular consequence: missense variant.
Genome position (GRCh38, 1-based): chr14:50,770,527, G>A on the plus strand (C>T on the coding strand, the complement: NIN is on the minus strand). VCF-style: chr14-50770527-G-A. GRCh37 (hg19) VCF-style: chr14-51237245-G-A.
Other names: c.1295C>T (NM_020921.3); c.1295C>T, p.Ala432Val (NM_016350.5, NM_182944.3, NM_182946.2); short protein forms A432V.
Identifiers: ClinVar variation 2143245 (VCV002143245.5), dbSNP rs750456184, ClinGen allele CA7182228.